The following is an entry in ClinVar:

ClinVar aggregate classification (germline): Uncertain significance (1 of 4 stars; one submission).

Allele frequency attached by ClinVar (database versions not stated): gnomAD exomes below 0.00001; TOPMed below 0.00001.
gnomAD v4.1: 4 of 1,442,072 alleles (0.00028%); highest among the groups gnomAD compares: Admixed American, 0.0023%; no homozygotes.

Submission:

Labcorp Genetics (formerly Invitae), Labcorp
Classification: Uncertain significance. Last evaluated: 2024-08-28. Review status: criteria provided, single submitter. Criteria: Invitae Variant Classification Sherloc (09022015). Collection method: clinical testing. Allele origin: germline.
Comment: This sequence change replaces arginine, which is basic and polar, with glutamine, which is neutral and polar, at codon 41 of the RASA2 protein (p.Arg41Gln). The frequency data for this variant in the population databases is considered unreliable, as metrics indicate poor data quality at this position in the gnomAD database. This variant has not been reported in the literature in individuals affected with RASA2-related conditions. ClinVar contains an entry for this variant (Variation ID: 1396106). An algorithm developed to predict the effect of missense changes on protein structure and function (PolyPhen-2) suggests that this variant is likely to be tolerated. In summary, the available evidence is currently insufficient to determine the role of this variant in disease. Therefore, it has been classified as a Variant of Uncertain Significance.

NM_006506.5(RASA2):c.122G>A (p.Arg41Gln)

Genes: RASA2 (RAS p21 protein activator 2; plus strand), LOC129937686 (ATAC-STARR-seq lymphoblastoid silent region 14777; plus strand). Cytogenetic location: 3q23.
Variant type: single nucleotide variant.
Coding change: c.122G>A on transcript NM_006506.5 (MANE Select); coding-DNA position 122, G replaced by A.
Protein change: p.Arg41Gln; replaces arginine 41 with glutamine.
Molecular consequence: missense variant.
Genome position (GRCh38, 1-based): chr3:141,487,205, G>A. VCF-style: chr3-141487205-G-A. GRCh37 (hg19) VCF-style: chr3-141206047-G-A.
Other names: c.122G>A, p.Arg41Gln (NM_001303245.3, NM_001303246.3); short protein forms R41Q.
Identifiers: ClinVar variation 1396106 (VCV001396106.8), dbSNP rs1414943487, ClinGen allele CA354774174.